The following is an entry in ClinVar:

ClinVar aggregate classification (germline): Conflicting classifications of pathogenicity. Review status: criteria provided, conflicting classifications (1 of 4 stars). 3 submissions from 3 submitters: Uncertain significance (2); Likely benign (1). Last evaluated 2022-10-10.

Conditions:
Hereditary cancer-predisposing syndrome. Also called: Hereditary neoplastic syndrome; Neoplastic Syndromes, Hereditary; Tumor predisposition; Hereditary Cancer Syndrome. Identifiers: Orphanet 140162, MedGen C0027672, MeSH D009386, MONDO:0015356.
Hereditary nonpolyposis colorectal neoplasms. Identifiers: MedGen C0009405, MeSH D003123.

Allele frequency attached by ClinVar (database versions not stated): gnomAD exomes below 0.00001.

Submissions (3):

Labcorp Genetics (formerly Invitae), Labcorp
Classification: Likely benign for Hereditary nonpolyposis colorectal neoplasms. Last evaluated: 2022-10-10. Review status: criteria provided, single submitter. Criteria: Invitae Variant Classification Sherloc (09022015). Collection method: clinical testing. Allele origin: germline.

Ambry Genetics
Classification: Uncertain significance for Hereditary cancer-predisposing syndrome. Last evaluated: 2021-11-03. Review status: criteria provided, single submitter. Criteria: Ambry Variant Classification Scheme 2023. Collection method: clinical testing. Allele origin: germline.
Comment: The p.V688F variant (also known as c.2062G>T), located in coding exon 4 of the MSH6 gene, results from a G to T substitution at nucleotide position 2062. The valine at codon 688 is replaced by phenylalanine, an amino acid with highly similar properties. This amino acid position is not well conserved in available vertebrate species. In addition, the in silico prediction for this alteration is inconclusive. Since supporting evidence is limited at this time, the clinical significance of this alteration remains unclear.

GeneDx
Classification: Uncertain significance. Last evaluated: 2021-04-26. Review status: criteria provided, single submitter. Criteria: GeneDx Variant Classification Process June 2021. Collection method: clinical testing. Allele origin: germline. Affected: yes.
Comment: Not observed at a significant frequency in large population cohorts (Lek 2016); In silico analysis supports that this missense variant has a deleterious effect on protein structure/function; Has not been previously published as pathogenic or benign to our knowledge

NM_000179.3(MSH6):c.2062G>T (p.Val688Phe)

Gene: MSH6 (mutS homolog 6; plus strand). Cytogenetic location: 2p16.3.
Variant type: single nucleotide variant.
Coding change: c.2062G>T on transcript NM_000179.3 (MANE Select); coding-DNA position 2062, G replaced by T.
Protein change: p.Val688Phe; replaces valine 688 with phenylalanine.
Molecular consequence: missense variant.
Genome position (GRCh38, 1-based): chr2:47,800,045, G>T. VCF-style: chr2-47800045-G-T. GRCh37 (hg19) VCF-style: chr2-48027184-G-T.
Other names: c.1672G>T, p.Val558Phe (NM_001281492.2); c.1156G>T, p.Val386Phe (NM_001281493.2, NM_001281494.2); short protein forms V386F, V558F, V688F.
Identifiers: ClinVar variation 1321051 (VCV001321051.8), dbSNP rs1201347192, ClinGen allele CA346750780.